The following is an entry in ClinVar:

ClinVar aggregate classification (germline): Likely benign. Review status: criteria provided, multiple submitters, no conflicts (2 of 4 stars). 3 submissions from 3 submitters: Likely benign (3). Last evaluated 2026-01-25.

Conditions:
Familial thoracic aortic aneurysm and aortic dissection (TAAD). Also called: Thoracic aortic aneurysms and dissections. Identifiers: Orphanet 91387, MedGen C4707243, MONDO:0019625.
Ehlers-Danlos syndrome, kyphoscoliotic type 1 (EDSKSCL1). Also called: EHLERS-DANLOS SYNDROME, TYPE VIA; Ehlers-Danlos syndrome, hydroxylysine-deficient; EHLERS-DANLOS SYNDROME, OCULAR-SCOLIOTIC TYPE; PLOD1-Related Kyphoscoliotic Ehlers-Danlos Syndrome. Identifiers: Orphanet 1900, MedGen C0268342, MONDO:0016002, OMIM 225400. Disease mechanism: loss of function.

Allele frequency attached by ClinVar (database versions not stated): ExAC 0.00001; TOPMed 0.00001; gnomAD 0.00002; gnomAD exomes 0.00002.
gnomAD v4.1: 37 of 1,610,110 alleles (0.0023%); highest among the groups gnomAD compares: Admixed American, 0.005%; no homozygotes.

Submissions (3):

Labcorp Genetics (formerly Invitae), Labcorp
Classification: Likely benign for Ehlers-Danlos syndrome, kyphoscoliotic type 1. Last evaluated: 2026-01-25. Review status: criteria provided, single submitter. Criteria: Invitae Variant Classification Sherloc (09022015). Collection method: clinical testing. Allele origin: germline.

Molecular Diagnostic Laboratory for Inherited Cardiovascular Disease, Montreal Heart Institute
Classification: Likely benign. Last evaluated: 2025-04-09. Review status: criteria provided, single submitter. Criteria: ACMG Guidelines, 2015. Collection method: clinical testing. Allele origin: germline. Affected: no.
Comment: BP6;BP7

Ambry Genetics
Classification: Likely benign for Familial thoracic aortic aneurysm and aortic dissection. Last evaluated: 2021-10-06. Review status: criteria provided, single submitter. Criteria: Ambry Variant Classification Scheme 2023. Collection method: clinical testing. Allele origin: germline.

NM_000302.4(PLOD1):c.570G>A (p.Pro190=)

Gene: PLOD1 (procollagen-lysine,2-oxoglutarate 5-dioxygenase 1; plus strand). Cytogenetic location: 1p36.22.
Variant type: single nucleotide variant.
Coding change: c.570G>A on transcript NM_000302.4 (MANE Select); coding-DNA position 570, G replaced by A.
Protein change: p.Pro190=; no amino-acid change (proline 190 retained).
Molecular consequence: synonymous variant.
Genome position (GRCh38, 1-based): chr1:11,952,726, G>A. VCF-style: chr1-11952726-G-A. GRCh37 (hg19) VCF-style: chr1-12012783-G-A.
Other names: c.711G>A, p.Pro237= (NM_001316320.2).
Identifiers: ClinVar variation 459823 (VCV000459823.12), dbSNP rs776173072, ClinGen allele CA597947.
Genomic context (GRCh38, chr1:11,952,726, plus strand): 5'-GTGGGAGGGCCAGGACAGCGACAGCGATCAGCTGTTTTACACCAAGATCTTCTTGGACCC[G>A]GAGAAGAGGGTAAGAGGCAGTGGGCGGGCCAAGGAGAGGGGGCTGGGGATCCACCGGCCA-3'
Protein context (NP_000293.2, residues 180-200): QLFYTKIFLD[Pro190=]EKREQINITL